The following is an entry in ClinVar:

NM_001267550.2(TTN):c.26377A>G (p.Thr8793Ala)

Gene: TTN (titin; minus strand). Cytogenetic location: 2q31.2.
Variant type: single nucleotide variant.
Coding change: c.26377A>G on transcript NM_001267550.2 (MANE Select); coding-DNA position 26377, A replaced by G.
Protein change: p.Thr8793Ala; replaces threonine 8793 with alanine.
Molecular consequence: missense variant. On other transcripts: intron variant (3).
Genome position (GRCh38, 1-based): chr2:178,714,397, T>C on the plus strand (A>G on the coding strand, the complement: TTN is on the minus strand). VCF-style: chr2-178714397-T-C. GRCh37 (hg19) VCF-style: chr2-179579124-T-C.
Other names: c.25426A>G, p.Thr8476Ala (NM_001256850.1); c.22645A>G, p.Thr7549Ala (NM_133378.4); c.13282+23685A>G (NM_003319.4); c.13858+23685A>G (NM_133437.4); c.13657+23685A>G (NM_133432.3); short protein forms T7549A, T8793A, T8476A.
Identifiers: ClinVar variation 263703 (VCV000263703.4), dbSNP rs776154251, ClinGen allele CA2000017.

ClinVar aggregate classification (germline): Conflicting classifications of pathogenicity. Review status: criteria provided, conflicting classifications (1 of 4 stars). 2 submissions from 2 submitters: Uncertain significance (1); Likely benign (1). Last evaluated 2021-11-12.

Conditions:
Cardiovascular phenotype. Identifiers: MedGen CN230736.

Allele frequency attached by ClinVar (database versions not stated): gnomAD 0.00002; gnomAD exomes 0.00002 and 0.00005; TOPMed 0.00002; ExAC 0.00003.
gnomAD v4.1: 25 of 1,613,672 alleles (0.0015%); highest among the groups gnomAD compares: Non-Finnish European, 0.00051%; no homozygotes.

Submissions (2):

Blueprint Genetics
Classification: Likely benign. Last evaluated: 2021-11-12. Review status: criteria provided, single submitter. Criteria: ACMG Guidelines, 2015. Collection method: clinical testing. Allele origin: germline.

Ambry Genetics
Classification: Uncertain significance for Cardiovascular phenotype. Last evaluated: 2013-10-04. Review status: criteria provided, single submitter. Criteria: Ambry Autosomal Dominant and X-Linked criteria (10/2015). Collection method: clinical testing. Allele origin: germline. Observed: 1 variant allele.
Comment: The p.T7549A variant (also known as c.22645A>G) is located in coding exon 87 of the TTN gene. This alteration results from an A to G substitution at nucleotide position 22645. The threonine at codon 7549 is replaced by alanine, an amino acid with some similar properties. Ã¢â‚¬â€¹ Ã¢â‚¬â€¹This amino acid position is not conserved on sequence alignment through sloth. This variant was not reported in population-based cohorts in the following databases: Database of Single Nucleotide Polymorphisms (dbSNP), NHLBI Exome Sequencing Project (ESP) and 1000 Genomes Project. In addition,This variant has been detected once in conjunction with a likely pathogenic variant in MYH7 by our laboratory.This variant is predicted to be benign by PolyPhen in silico analyses. Since supporting evidence is limited at this time, the clinical significance of p.T7549A remains unclear.